The following is an entry in ClinVar:

NM_198407.2(GHSR):c.660C>A (p.Phe220Leu)

Gene: GHSR (growth hormone secretagogue receptor; minus strand). Cytogenetic location: 3q26.31.
Variant type: single nucleotide variant.
Coding change: c.660C>A on transcript NM_198407.2 (MANE Select); coding-DNA position 660, C replaced by A.
Protein change: p.Phe220Leu; replaces phenylalanine 220 with leucine.
Molecular consequence: missense variant.
Genome position (GRCh38, 1-based): chr3:172,447,754, G>T on the plus strand (C>A on the coding strand, the complement: GHSR is on the minus strand). VCF-style: chr3-172447754-G-T. GRCh37 (hg19) VCF-style: chr3-172165544-G-T.
Other names: c.660C>A, p.Phe220Leu (NM_004122.2); short protein forms F220L.
Identifiers: ClinVar variation 4706523 (VCV004706523.1).

ClinVar aggregate classification (germline): Uncertain significance (1 of 4 stars; one submission).

Submission:

Labcorp Genetics (formerly Invitae), Labcorp
Classification: Uncertain significance. Last evaluated: 2025-03-30. Review status: criteria provided, single submitter. Criteria: Invitae Variant Classification Sherloc (09022015). Collection method: clinical testing. Allele origin: germline.
Comment: This sequence change replaces phenylalanine, which is neutral and non-polar, with leucine, which is neutral and non-polar, at codon 220 of the GHSR protein (p.Phe220Leu). This variant is present in population databases (no rsID available, gnomAD 0.0009%). This variant has not been reported in the literature in individuals affected with GHSR-related conditions. Invitae Evidence Modeling of protein sequence and biophysical properties (such as structural, functional, and spatial information, amino acid conservation, physicochemical variation, residue mobility, and thermodynamic stability) indicates that this missense variant is not expected to disrupt GHSR protein function with a negative predictive value of 80%. In summary, the available evidence is currently insufficient to determine the role of this variant in disease. Therefore, it has been classified as a Variant of Uncertain Significance.